The following is an entry in ClinVar:

NM_000069.3(CACNA1S):c.2770G>A (p.Ala924Thr)

Gene: CACNA1S (calcium voltage-gated channel subunit alpha1 S; minus strand). Cytogenetic location: 1q32.1.
Variant type: single nucleotide variant.
Coding change: c.2770G>A on transcript NM_000069.3 (MANE Select); coding-DNA position 2770, G replaced by A.
Protein change: p.Ala924Thr; replaces alanine 924 with threonine.
Molecular consequence: missense variant.
Genome position (GRCh38, 1-based): chr1:201,065,921, C>T on the plus strand (G>A on the coding strand, the complement: CACNA1S is on the minus strand). VCF-style: chr1-201065921-C-T. GRCh37 (hg19) VCF-style: chr1-201035049-C-T.
Other names: short protein forms A924T.
Identifiers: ClinVar variation 853566 (VCV000853566.10), dbSNP rs1442305463, ClinGen allele CA344101711.

ClinVar aggregate classification (germline): Uncertain significance (1 of 4 stars; one submission).

Conditions:
Hypokalemic periodic paralysis, type 1. Also called: Hypokalemic Periodic Paralysis Type 1 (AD); HypoPP. Identifiers: Orphanet 681, MedGen C3714580, MONDO:0042979, OMIM 170400.
Malignant hyperthermia, susceptibility to, 5 (MHS5). Also called: CACNA1S-Related Malignant Hyperthermia Susceptibility. Identifiers: Orphanet 423, MedGen C1866077, MONDO:0011163, OMIM 601887.

gnomAD v4.1: 4 of 1,613,474 alleles (0.00025%); highest among the groups gnomAD compares: Non-Finnish European, 0.00034%; no homozygotes.

Submission:

Labcorp Genetics (formerly Invitae), Labcorp
Classification: Uncertain significance for Hypokalemic periodic paralysis, type 1; Malignant hyperthermia, susceptibility to, 5. Last evaluated: 2022-01-26. Review status: criteria provided, single submitter. Criteria: Invitae Variant Classification Sherloc (09022015). Collection method: clinical testing. Allele origin: germline.
Comment: This variant has not been reported in the literature in individuals affected with CACNA1S-related conditions. In summary, the available evidence is currently insufficient to determine the role of this variant in disease. Therefore, it has been classified as a Variant of Uncertain Significance. Algorithms developed to predict the effect of missense changes on protein structure and function are either unavailable or do not agree on the potential impact of this missense change (SIFT: "Deleterious"; PolyPhen-2: "Probably Damaging"; Align-GVGD: "Class C0"). ClinVar contains an entry for this variant (Variation ID: 853566). This variant is not present in population databases (gnomAD no frequency). This sequence change replaces alanine, which is neutral and non-polar, with threonine, which is neutral and polar, at codon 924 of the CACNA1S protein (p.Ala924Thr).